The following is an entry in ClinVar:

NM_015662.3(IFT172):c.2151G>C (p.Glu717Asp)

Gene: IFT172 (intraflagellar transport 172; minus strand). Cytogenetic location: 2p23.3.
Variant type: single nucleotide variant.
Coding change: c.2151G>C on transcript NM_015662.3 (MANE Select); coding-DNA position 2151, G replaced by C.
Protein change: p.Glu717Asp; replaces glutamic acid 717 with aspartic acid.
Molecular consequence: missense variant.
Genome position (GRCh38, 1-based): chr2:27,461,801, C>G on the plus strand (G>C on the coding strand, the complement: IFT172 is on the minus strand). VCF-style: chr2-27461801-C-G. GRCh37 (hg19) VCF-style: chr2-27684668-C-G.
Other names: c.2085G>C, p.Glu695Asp (NM_001410739.1); short protein forms E695D, E717D.
Identifiers: ClinVar variation 2636373 (VCV002636373.1), dbSNP rs1666696944, ClinGen allele CA346384881.

ClinVar aggregate classification (germline): Uncertain significance (1 of 4 stars; one submission).

Conditions:
IFT172-related disorder. Also called: IFT172-related condition; IFT172-related disorders.

Allele frequency attached by ClinVar (database versions not stated): TOPMed below 0.00001.

Submission:

PreventionGenetics, part of Exact Sciences
Classification: Uncertain significance for IFT172-related condition. Last evaluated: 2022-08-30. Review status: criteria provided, single submitter. Criteria: ACMG Guidelines, 2015. Collection method: clinical testing. Allele origin: germline.
Comment: The IFT172 c.2151G>C variant is predicted to result in the amino acid substitution p.Glu717Asp. To our knowledge, this variant has not been reported in the literature or in a large population database, indicating this variant is rare. At this time, the clinical significance of this variant is uncertain due to the absence of conclusive functional and genetic evidence.